The following is an entry in ClinVar:

ClinVar aggregate classification (germline): Uncertain significance (1 of 4 stars; one submission).

Allele frequency attached by ClinVar (database versions not stated): gnomAD exomes below 0.00001.
gnomAD v4.1: 2 of 1,614,184 alleles (0.00012%); highest among the groups gnomAD compares: Admixed American, 0.0033%; no homozygotes.

Submission:

Labcorp Genetics (formerly Invitae), Labcorp
Classification: Uncertain significance. Last evaluated: 2023-09-07. Review status: criteria provided, single submitter. Criteria: Invitae Variant Classification Sherloc (09022015). Collection method: clinical testing. Allele origin: germline.
Comment: In summary, the available evidence is currently insufficient to determine the role of this variant in disease. Therefore, it has been classified as a Variant of Uncertain Significance. An algorithm developed to predict the effect of missense changes on protein structure and function (PolyPhen-2) suggests that this variant is likely to be tolerated. This variant has not been reported in the literature in individuals affected with RTN4IP1-related conditions. This variant is present in population databases (no rsID available, gnomAD 0.006%). This sequence change replaces glutamine, which is neutral and polar, with arginine, which is basic and polar, at codon 61 of the RTN4IP1 protein (p.Gln61Arg).

NM_032730.5(RTN4IP1):c.182A>G (p.Gln61Arg)

Gene: RTN4IP1 (reticulon 4 interacting protein 1; minus strand). Cytogenetic location: 6q21.
Variant type: single nucleotide variant.
Coding change: c.182A>G on transcript NM_032730.5 (MANE Select); coding-DNA position 182, A replaced by G.
Protein change: p.Gln61Arg; replaces glutamine 61 with arginine.
Molecular consequence: missense variant. On other transcripts: intron variant (1).
Genome position (GRCh38, 1-based): chr6:106,628,840, T>C on the plus strand (A>G on the coding strand, the complement: RTN4IP1 is on the minus strand). VCF-style: chr6-106628840-T-C. GRCh37 (hg19) VCF-style: chr6-107076715-T-C.
Other names: c.-27+1487A>G (NM_001318746.1); short protein forms Q61R.
Identifiers: ClinVar variation 2747152 (VCV002747152.3), dbSNP rs1350372993, ClinGen allele CA365168692.